The following is an entry in ClinVar:

ClinVar aggregate classification (germline): Uncertain significance (1 of 4 stars; one submission).

gnomAD v4.1: 1 of 1,612,144 alleles (0.000062%); highest among the groups gnomAD compares: Non-Finnish European, 0.000085%; no homozygotes.

Submission:

Labcorp Genetics (formerly Invitae), Labcorp
Classification: Uncertain significance. Last evaluated: 2022-07-22. Review status: criteria provided, single submitter. Criteria: Invitae Variant Classification Sherloc (09022015). Collection method: clinical testing. Allele origin: germline.
Comment: In summary, the available evidence is currently insufficient to determine the role of this variant in disease. Therefore, it has been classified as a Variant of Uncertain Significance. Algorithms developed to predict the effect of missense changes on protein structure and function are either unavailable or do not agree on the potential impact of this missense change (SIFT: "Tolerated"; PolyPhen-2: "Probably Damaging"; Align-GVGD: "Class C0"). This variant has not been reported in the literature in individuals affected with PLEKHM2-related conditions. This variant is not present in population databases (gnomAD no frequency). This sequence change replaces aspartic acid, which is acidic and polar, with histidine, which is basic and polar, at codon 847 of the PLEKHM2 protein (p.Asp847His).

NM_015164.4(PLEKHM2):c.2539G>C (p.Asp847His)

Gene: PLEKHM2 (pleckstrin homology and RUN domain containing M2; plus strand). Cytogenetic location: 1p36.21.
Variant type: single nucleotide variant.
Coding change: c.2539G>C on transcript NM_015164.4 (MANE Select); coding-DNA position 2539, G replaced by C.
Protein change: p.Asp847His; replaces aspartic acid 847 with histidine.
Molecular consequence: missense variant.
Genome position (GRCh38, 1-based): chr1:15,731,962, G>C. VCF-style: chr1-15731962-G-C. GRCh37 (hg19) VCF-style: chr1-16058457-G-C.
Other names: c.2479G>C, p.Asp827His (NM_001410755.1); short protein forms D827H, D847H.
Identifiers: ClinVar variation 1713300 (VCV001713300.5), dbSNP rs774711874, ClinGen allele CA338573416.
Genomic context (GRCh38, chr1:15,731,962, plus strand): 5'-GGTGGCTGCCGGAGAGCCAACACCACGGATCGGCCCCACGCCTTCCAGGTCATTCTCTCC[G>C]ACCGGCCCTGCCTGGAGCTAAGTGCCGAGAGCGAGGCCGAGATGGCCGAGTGGATGCAGC-3'
Protein context (NP_055979.2, residues 837-857): RPHAFQVILS[Asp847His]RPCLELSAES